The following is an entry in ClinVar:

NM_030773.4(TUBB1):c.1354T>C (p.Ter452Gln)

Gene: TUBB1 (tubulin beta 1 class VI; plus strand). Cytogenetic location: 20q13.32.
Variant type: single nucleotide variant.
Coding change: c.1354T>C on transcript NM_030773.4 (MANE Select); coding-DNA position 1354, T replaced by C.
Protein change: p.Ter452Gln.
Molecular consequence: stop lost.
Genome position (GRCh38, 1-based): chr20:59,024,781, T>C. VCF-style: chr20-59024781-T-C. GRCh37 (hg19) VCF-style: chr20-57599836-T-C.
Identifiers: ClinVar variation 4887308 (VCV004887308.1).

ClinVar aggregate classification (germline): Uncertain significance (1 of 4 stars; one submission).

Submission:

Women's Health and Genetics/Laboratory Corporation of America, LabCorp
Classification: Uncertain significance. Last evaluated: 2026-06-12. Review status: criteria provided, single submitter. Criteria: LabCorp Variant Classification Summary - May 2015. Collection method: clinical testing. Allele origin: germline.
Comment: Variant summary: TUBB1 c.1354T>C (p.X452GlnextX2) changes the termination codon and is predicted to lead to an extended protein with additional amino acids added to the normal C-terminus. The variant was absent in 250844 control chromosomes. The available data on variant occurrences in the general population are insufficient to allow any conclusion about variant significance. To our knowledge, no occurrence of c.1354T>C in individuals affected with TUBB1-related conditions and no experimental evidence demonstrating its impact on protein function have been reported. No submitters have cited clinical-significance assessments for this variant to ClinVar. Based on the evidence outlined above, the variant was classified as uncertain significance.